The following is an entry in ClinVar:

ClinVar aggregate classification (germline): Uncertain significance (1 of 4 stars; one submission).

Conditions:
Amyotrophic lateral sclerosis 27, juvenile (ALS27). Identifiers: MedGen C5830359, MONDO:0859529, OMIM 620285.

Submission:

Kariminejad - Najmabadi Pathology & Genetics Center
Classification: Uncertain significance for Amyotrophic lateral sclerosis 27, juvenile. Last evaluated: 2024-06-09. Review status: criteria provided, single submitter. Criteria: ACMG Guidelines, 2015. Collection method: clinical testing. Allele origin: germline. Inheritance: Autosomal dominant inheritance. Affected: yes.
Comment: PM2

NM_006415.4(SPTLC1):c.93_123dup (p.Lys42delinsAspProLeuAspAsnGlnThrSerPheLeuTer)

Gene: SPTLC1 (serine palmitoyltransferase long chain base subunit 1; minus strand). Cytogenetic location: 9q22.31.
Variant type: Duplication.
Coding change: c.93_123dup on transcript NM_006415.4 (MANE Select); coding-DNA positions 93 to 123, 31 bases duplicated.
Protein change: p.Lys42delinsAspProLeuAspAsnGlnThrSerPheLeuTer.
Molecular consequence: nonsense. On other transcripts: 5 prime UTR variant (2).
Genome position (GRCh38, 1-based): chr9:92,112,497-92,112,527, 31 bases duplicated; duplicating any 31 consecutive bases within chr9:92,112,497-92,112,530 gives the same sequence; the c. name uses the placement nearest the transcript's 3' end. GRCh37 (hg19): chr9:94,874,782-94,874,812.
Other names: c.93_123dup, p.Lys42delinsAspProLeuAspAsnGlnThrSerPheLeuTer (NM_001281303.2, NM_178324.3); c.-407_-377dup (NM_001368272.1); c.-373_-343dup (NM_001368273.1).
Identifiers: ClinVar variation 3897029 (VCV003897029.1).